The following is an entry in ClinVar:

NM_001367624.2(ZNF469):c.2885G>A (p.Gly962Asp)

Gene: ZNF469 (zinc finger protein 469; plus strand). Cytogenetic location: 16q24.2.
Variant type: single nucleotide variant.
Coding change: c.2885G>A on transcript NM_001367624.2 (MANE Select); coding-DNA position 2885, G replaced by A.
Protein change: p.Gly962Asp; replaces glycine 962 with aspartic acid.
Molecular consequence: missense variant.
Genome position (GRCh38, 1-based): chr16:88,430,355, G>A. VCF-style: chr16-88430355-G-A. GRCh37 (hg19) VCF-style: chr16-88496763-G-A.
Other names: NM_001127464.1:c.2885G>A; short protein forms G962D.
Identifiers: ClinVar variation 2626106 (VCV002626106.2), dbSNP rs2507580684, ClinGen allele CA397076042.

ClinVar aggregate classification (germline): Uncertain significance (1 of 4 stars; one submission).

Conditions:
Cardiovascular phenotype. Identifiers: MedGen CN230736.

Allele frequency attached by ClinVar (database versions not stated): gnomAD exomes below 0.00001.
gnomAD v4.1: 1 of 1,512,436 alleles (0.000066%); highest among the groups gnomAD compares: Non-Finnish European, 0.000088%; no homozygotes.

Submission:

Ambry Genetics
Classification: Uncertain significance for Cardiovascular phenotype. Last evaluated: 2023-06-29. Review status: criteria provided, single submitter. Criteria: Ambry Variant Classification Scheme 2023. Collection method: clinical testing. Allele origin: germline.
Comment: The p.G962D variant (also known as c.2885G>A), located in coding exon 1 of the ZNF469 gene, results from a G to A substitution at nucleotide position 2885. The glycine at codon 962 is replaced by aspartic acid, an amino acid with similar properties. This amino acid position is conserved. In addition, this alteration is predicted to be tolerated by in silico analysis. Since supporting evidence is limited at this time, the clinical significance of this alteration remains unclear.